The following is an entry in ClinVar:

NM_012414.4(RAB3GAP2):c.1281C>T (p.Asp427=)

Gene: RAB3GAP2 (RAB3 GTPase activating non-catalytic protein subunit 2; minus strand). Cytogenetic location: 1q41.
Variant type: single nucleotide variant.
Coding change: c.1281C>T on transcript NM_012414.4 (MANE Select); coding-DNA position 1281, C replaced by T.
Protein change: p.Asp427=; no amino-acid change (aspartic acid 427 retained).
Molecular consequence: synonymous variant.
Genome position (GRCh38, 1-based): chr1:220,191,274, G>A on the plus strand (C>T on the coding strand, the complement: RAB3GAP2 is on the minus strand). VCF-style: chr1-220191274-G-A. GRCh37 (hg19) VCF-style: chr1-220364616-G-A.
Identifiers: ClinVar variation 518198 (VCV000518198.11), dbSNP rs372594666, ClinGen allele CA1402722.

ClinVar aggregate classification (germline): Likely benign. Review status: criteria provided, multiple submitters, no conflicts (2 of 4 stars). 3 submissions from 3 submitters: Likely benign (2). 1 of the submissions does not count toward it. Last evaluated 2025-06-25.

Conditions:
Martsolf syndrome (MARTS). Also called: Congenital cataract with intellectual disability and hypogonadotropic hypogonadism syndrome. Identifiers: Orphanet 1387, MedGen C0796037, MONDO:0023910.
Warburg micro syndrome 2 (WARBM2). Also called: MICRO SYNDROME 2. Identifiers: Orphanet 2510, MedGen C3280214, MONDO:0013641, OMIM 614225.
RAB3GAP2-related disorder. Also called: RAB3GAP2-related condition; RAB3GAP2-related disorders.

Allele frequency attached by ClinVar (database versions not stated): TOPMed 0.00002; gnomAD 0.00005 and 0.00006; gnomAD exomes 0.00005 and 0.00006; ESP Exome Variant Server 0.00008; ExAC 0.00009; 1000 Genomes Project 30x 0.00031; 1000 Genomes Project 0.00040.
gnomAD v4.1: 75 of 1,586,596 alleles (0.0047%); highest among the groups gnomAD compares: Middle Eastern, 0.051%; no homozygotes.

Submissions (3):

Labcorp Genetics (formerly Invitae), Labcorp
Classification: Likely benign for Martsolf syndrome; Warburg micro syndrome 2. Last evaluated: 2025-06-25. Review status: criteria provided, single submitter. Criteria: Invitae Variant Classification Sherloc (09022015). Collection method: clinical testing. Allele origin: germline.

GeneDx
Classification: Likely benign. Last evaluated: 2017-06-29. Review status: criteria provided, single submitter. Criteria: GeneDx Variant Classification (06012015). Collection method: clinical testing. Allele origin: germline. Affected: yes.
Comment: This variant is considered likely benign or benign based on one or more of the following criteria: it is a conservative change, it occurs at a poorly conserved position in the protein, it is predicted to be benign by multiple in silico algorithms, and/or has population frequency not consistent with disease.

PreventionGenetics, part of Exact Sciences
Classification: Likely benign for RAB3GAP2-related condition. Last evaluated: 2022-09-23. Review status: no assertion criteria provided. Collection method: clinical testing. Allele origin: germline. Not counted in ClinVar's aggregate classification.
Comment: This variant is classified as likely benign based on ACMG/AMP sequence variant interpretation guidelines (Richards et al. 2015 PMID: 25741868, with internal and published modifications).